The following is an entry in ClinVar:

NM_004423.4(DVL3):c.1381C>T (p.Arg461Trp)

Gene: DVL3 (dishevelled segment polarity protein 3; plus strand). Cytogenetic location: 3q27.1.
Variant type: single nucleotide variant.
Coding change: c.1381C>T on transcript NM_004423.4 (MANE Select); coding-DNA position 1381, C replaced by T.
Protein change: p.Arg461Trp; replaces arginine 461 with tryptophan.
Molecular consequence: missense variant.
Genome position (GRCh38, 1-based): chr3:184,167,948, C>T. VCF-style: chr3-184167948-C-T. GRCh37 (hg19) VCF-style: chr3-183885736-C-T.
Other names: short protein forms R461W.
Identifiers: ClinVar variation 3716643 (VCV003716643.2).

ClinVar aggregate classification (germline): Uncertain significance (1 of 4 stars; one submission).

gnomAD v4.1: 10 of 1,614,146 alleles (0.00062%); highest among the groups gnomAD compares: East Asian, 0.0045%; no homozygotes.

Submission:

Labcorp Genetics (formerly Invitae), Labcorp
Classification: Uncertain significance. Last evaluated: 2024-02-26. Review status: criteria provided, single submitter. Criteria: Invitae Variant Classification Sherloc (09022015). Collection method: clinical testing. Allele origin: germline.
Comment: This sequence change replaces arginine, which is basic and polar, with tryptophan, which is neutral and slightly polar, at codon 461 of the DVL3 protein (p.Arg461Trp). This variant is present in population databases (no rsID available, gnomAD 0.004%). This variant has not been reported in the literature in individuals affected with DVL3-related conditions. Advanced modeling of protein sequence and biophysical properties (such as structural, functional, and spatial information, amino acid conservation, physicochemical variation, residue mobility, and thermodynamic stability) performed at Invitae indicates that this missense variant is expected to disrupt DVL3 protein function with a positive predictive value of 80%. In summary, the available evidence is currently insufficient to determine the role of this variant in disease. Therefore, it has been classified as a Variant of Uncertain Significance.